The following is an entry in ClinVar:

NM_001355436.2(SPTB):c.875A>G (p.Lys292Arg)

Gene: SPTB (spectrin beta, erythrocytic; minus strand). Cytogenetic location: 14q23.3.
Variant type: single nucleotide variant.
Coding change: c.875A>G on transcript NM_001355436.2 (MANE Select); coding-DNA position 875, A replaced by G.
Protein change: p.Lys292Arg; replaces lysine 292 with arginine.
Molecular consequence: missense variant.
Genome position (GRCh38, 1-based): chr14:64,800,757, T>C on the plus strand (A>G on the coding strand, the complement: SPTB is on the minus strand). VCF-style: chr14-64800757-T-C. GRCh37 (hg19) VCF-style: chr14-65267475-T-C.
Other names: p.Lys292Arg; c.875A>G, p.Lys292Arg (NM_001024858.4, NM_001355437.2); short protein forms K292R.
Identifiers: ClinVar variation 3380208 (VCV003380208.1).
Genomic context (GRCh38, chr14:64,800,757, plus strand): 5'-TCTGTCTGGACCTGACAAACAGGGGAAGAGTGACACTTTGGTTCCAAAACAGCTTGTACC[T>C]TGCCGACACGCTTGCCCTCCACTGCCAGCACCTTCATCTTGGAGAAGTAGTGGTAAAAGG-3'
Protein context (NP_001342365.1, residues 282-302): VLAVEGKRVG[Lys292Arg]VIDHAIETEK

ClinVar aggregate classification (germline): Uncertain significance (1 of 4 stars; one submission).

Submission:

Mayo Clinic Laboratories, Mayo Clinic
Classification: Uncertain significance. Last evaluated: 2024-07-12. Review status: criteria provided, single submitter. Criteria: ACMG Guidelines, 2015. Collection method: clinical testing. Allele origin: germline. Observed: 1 variant allele.
Comment: PM2